The following is an entry in ClinVar:

NM_017882.3(CLN6):c.767A>G (p.Asp256Gly)

Gene: CLN6 (CLN6 transmembrane ER protein; minus strand). Cytogenetic location: 15q23.
Variant type: single nucleotide variant.
Coding change: c.767A>G on transcript NM_017882.3 (MANE Select); coding-DNA position 767, A replaced by G.
Protein change: p.Asp256Gly; replaces aspartic acid 256 with glycine.
Molecular consequence: missense variant.
Genome position (GRCh38, 1-based): chr15:68,208,309, T>C on the plus strand (A>G on the coding strand, the complement: CLN6 is on the minus strand). VCF-style: chr15-68208309-T-C. GRCh37 (hg19) VCF-style: chr15-68500647-T-C.
Other names: p.D256G:GAC>GGC; short protein forms D256G.
Identifiers: ClinVar variation 205177 (VCV000205177.14), dbSNP rs143781303, ClinGen allele CA313981.

ClinVar aggregate classification (germline): Pathogenic/Likely pathogenic. Review status: criteria provided, multiple submitters, no conflicts (2 of 4 stars). 4 submissions from 4 submitters: Pathogenic (1); Likely pathogenic (3). Last evaluated 2026-01-12.

Conditions:
CLN6-related disorder. Also called: CLN6-related condition.
Neuronal ceroid lipofuscinosis. Also called: Neuronal Ceroid Lipofuscinoses. Identifiers: Orphanet 216, Orphanet 79263, MedGen C0027877, MONDO:0016295. Disease mechanism: loss of function.
Ceroid lipofuscinosis, neuronal, 6A. Also called: Neuronal ceroid lipofuscinosis, Gypsy/Indian early juvenile variant; Neuronal ceroid lipofuscinosis 6; CLN6-Related Neuronal Ceroid-Lipofuscinosis; Neuronal ceroid lipofuscinosis, late infantile, variant. Identifiers: Orphanet 168491, Orphanet 228363, MedGen C5551375, MONDO:0011144, OMIM 601780.

Allele frequency attached by ClinVar (database versions not stated): ExAC 0.00001; gnomAD exomes 0.00001 and 0.00004; ESP Exome Variant Server 0.00008.
gnomAD v4.1: 57 of 1,614,122 alleles (0.0035%); highest among the groups gnomAD compares: Non-Finnish European, 0.0047%; no homozygotes.

Submissions (4):

Labcorp Genetics (formerly Invitae), Labcorp
Classification: Likely pathogenic for Neuronal ceroid lipofuscinosis. Last evaluated: 2026-01-12. Review status: criteria provided, single submitter. Criteria: Invitae Variant Classification Sherloc (09022015). Collection method: clinical testing. Allele origin: germline.
Comment: This sequence change replaces aspartic acid, which is acidic and polar, with glycine, which is neutral and non-polar, at codon 256 of the CLN6 protein (p.Asp256Gly). This variant is present in population databases (rs143781303, gnomAD 0.007%). This variant has not been reported in the literature in individuals affected with CLN6-related conditions. ClinVar contains an entry for this variant (Variation ID: 205177). Invitae Evidence Modeling of protein sequence and biophysical properties (such as structural, functional, and spatial information, amino acid conservation, physicochemical variation, residue mobility, and thermodynamic stability) has been performed for this missense variant. However, the output from this modeling did not meet the statistical confidence thresholds required to predict the impact of this variant on CLN6 protein function. This variant disrupts the p.Asp256 amino acid residue in CLN6. Other variant(s) that disrupt this residue have been determined to be pathogenic (PMID: 22883287, 24102492). This suggests that this residue is clinically significant, and that variants that disrupt this residue are likely to be disease-causing. In summary, the currently available evidence indicates that the variant is pathogenic, but additional data are needed to prove that conclusively. Therefore, this variant has been classified as Likely Pathogenic.

Natera, Inc.
Classification: Likely pathogenic for Ceroid lipofuscinosis, neuronal, 6A. Last evaluated: 2025-05-07. Review status: criteria provided, single submitter. Criteria: Natera Variant Classification Schema (03/2026). Collection method: clinical testing. Allele origin: germline.
Comment: The c.767A>G variant in CLN6 is a missense variant predicted to cause substitution of aspartic acid to glycine at amino acid 256. This variant is rare in the general population with a frequency below the threshold expected for the associated phenotype(s). This variant has been observed in one or more individuals affected with the associated recessive disease, as either homozygous or compound heterozygous with a second variant (PMID: 22883287). Additionally, this variant has been observed to segregate in affected family members (PMID: 22883287). A different variant at the same position has been determined to be Pathogenic or Likely Pathogenic. Computational prediction algorithms indicate this variant is likely to affect gene or protein function. Given the available evidence, this variant is classified as Likely Pathogenic.

Blueprint Genetics
Classification: Likely pathogenic for CLN6-related disorders. Last evaluated: 2024-08-27. Review status: criteria provided, single submitter. Criteria: ACMG Guidelines, 2015. Collection method: clinical testing. Allele origin: germline. Affected: yes. Observed: 2 variant alleles.

GeneDx
Classification: Pathogenic. Last evaluated: 2013-06-27. Review status: criteria provided, single submitter. Criteria: GeneDx Variant Classification (06012015). Collection method: clinical testing. Allele origin: germline. Affected: yes.
Comment: p.Asp256Gly (GAC>GGC): c.767 A>G in exon 7 of the CLN6 gene (NM_017882.2)The Asp256Gly missense change was previously reported as a homozygous mutation in multiple individuals from the same family with teenage-onset progressive myoclonic epilepsy (Andrade et al., 2012). It was not observed in approximately 6,500 individuals of European and African American ancestry in the NHLBI Exome Sequencing Project, indicating it is not a common benign variant in these populations. The amino acid substitution is non-conservative, as a negatively charged Aspartic acid residue is replaced by an uncharged, non-polar Glycine residue. It alters a conserved position in the cytoplasmic loop between the sixth and seventh transmembrane domains of the protein, and other missense mutations have been reported in this region of the protein. The variant is found in EPILEPSY panel(s).

Literature cited by the submitters: PubMed 22883287 (cited by Labcorp Genetics (formerly Invitae), Labcorp and Natera, Inc.); PubMed 24102492 (cited by Labcorp Genetics (formerly Invitae), Labcorp).